The following is an entry in ClinVar:

NM_000070.3(CAPN3):c.1027G>T (p.Glu343Ter)

Gene: CAPN3 (calpain 3; plus strand). Cytogenetic location: 15q15.1.
Variant type: single nucleotide variant.
Coding change: c.1027G>T on transcript NM_000070.3 (MANE Select); coding-DNA position 1027, G replaced by T.
Protein change: p.Glu343Ter; replaces glutamic acid 343 with a stop codon.
Molecular consequence: nonsense.
Genome position (GRCh38, 1-based): chr15:42,392,720, G>T. VCF-style: chr15-42392720-G-T. GRCh37 (hg19) VCF-style: chr15-42684918-G-T.
Other names: NM_000070.3(CAPN3):c.1027G>T; p.Glu343Ter; c.1027G>T, p.Glu343Ter (NM_024344.2); c.883G>T, p.Glu295Ter (NM_173087.2); short protein forms E343*, E295*.
Identifiers: ClinVar variation 497182 (VCV000497182.17), dbSNP rs766334893, ClinGen allele CA7511222.

ClinVar aggregate classification (germline): Pathogenic. Review status: reviewed by expert panel (3 of 4 stars). 8 submissions from 8 submitters: Pathogenic (1). 7 of the submissions do not count toward it. Last evaluated 2025-01-09.

Conditions:
Muscular dystrophy, limb-girdle, autosomal dominant 4. Also called: MUSCULAR DYSTROPHY, LIMB-GIRDLE, TYPE 1I; Calpain-3-related limb-girdle muscular dystrophy D4. Identifiers: Orphanet 565909, MedGen C4748295, MONDO:0029133, OMIM 618129.
Autosomal recessive limb-girdle muscular dystrophy. Identifiers: Orphanet 102015, MedGen C2931907, MONDO:0015152.
Autosomal recessive limb-girdle muscular dystrophy type 2A (LGMDR1). Also called: LEYDEN-MOEBIUS MUSCULAR DYSTROPHY; MUSCULAR DYSTROPHY, PELVOFEMORAL; Limb-girdle muscular dystrophy, type 2A; Calpainopathy; Muscular dystrophy, limb-girdle, type 2A, Amish. Identifiers: Orphanet 267, MedGen C1869123, MONDO:0009675, OMIM 253600. Disease mechanism: loss of function.

Allele frequency attached by ClinVar (database versions not stated): gnomAD exomes below 0.00001 and 0.00001; ExAC 0.00001; TOPMed 0.00001.
gnomAD v4.1: 2 of 1,613,516 alleles (0.00012%); highest among the groups gnomAD compares: Admixed American, 0.0033%; no homozygotes.

Submissions (8):

ClinGen Limb Girdle Muscular Dystrophy Variant Curation Expert Panel, ClinGen
Classification: Pathogenic for Autosomal recessive limb-girdle muscular dystrophy. Last evaluated: 2025-01-09. Review status: reviewed by expert panel. Criteria: ClinGen LGMD VCEP ACMG Specifications CAPN3 V1.0.0. Collection method: curation. Allele origin: germline. Inheritance: Autosomal recessive inheritance.
Comment: The NM_000070.3: c.1027G>T (p.Glu343Ter) variant in CAPN3, which is also known as p.(Glu343del), is a nonsense variant predicted to cause a premature stop codon in biologically relevant exon 7/24, leading to nonsense mediated decay in a gene in which loss of function is an established disease mechanism (PVS1). This variant has been detected in at least five individuals with features of limb girdle muscular dystrophy (PMID: 34628793, 30564623; LOVD CAPN3_000602; ClinVar SCV000953543.3 internal data communication), including in unknown phase with a pathogenic variant in two cases (c.1468C>T p.(Arg490Trp), 1.0 pt, PMID: 30564623; LOVD Individual #00222348; ClinVar SCV000953543.3 internal data communication) (PM3). At least one patient with this variant was clinically suspected to have limb girdle muscular dystrophy (PP4). The highest population minor allele frequency of the variant is 0.00005787 (2/34560 exome chromosomes) in the Admixed American population of gnomAD v2.1.1, which is less than the LGMD VCEP threshold (<0.0001) for PM2_Supporting, meeting this criterion (PM2_Supporting). In summary, this variant meets the criteria to be classified as Pathogenic for autosomal recessive limb girdle muscular dystrophy based on the ACMG/AMP criteria applied, as specified by the ClinGen LGMD VCEP (LGMD VCEP specifications version 1.0.0; 01/09/2025): PVS1, PM3, PP4, PM2_Supporting.

Revvity Omics, Revvity
Classification: Likely pathogenic. Last evaluated: 2024-09-22. Review status: criteria provided, single submitter. Criteria: ACMG Guidelines, 2015. Collection method: clinical testing. Allele origin: germline. Not counted in ClinVar's aggregate classification.

Medical Molecular Genetics Department, National Research Center
Classification: Pathogenic for Autosomal recessive limb-girdle muscular dystrophy type 2A. Last evaluated: 2024-08-11. Review status: criteria provided, single submitter. Criteria: ACMG Guidelines, 2015. Collection method: clinical testing. Allele origin: germline. Affected: yes. Not counted in ClinVar's aggregate classification.
Comment: By applying ACMG guidelines: According to insilico studies, the variant is classified as deleterious (PP3),our study patient’s clinical phenotype is typically correlated to the disease (PP4), it showed an extremely low frequency in gnomAD population databases (PS4). Null variant in a gene where loss of function is a known mechanism of disease (PVS1). so according to ACMG guidlines it is classified as variant of uncertain significance.

Natera, Inc.
Classification: Likely pathogenic for Limb-girdle muscular dystrophy type 2A. Last evaluated: 2024-05-16. Review status: criteria provided, single submitter. Criteria: Natera Variant Classification Schema (03/2026). Collection method: clinical testing. Allele origin: germline. Not counted in ClinVar's aggregate classification.
Comment: The c.1027G>T variant in CAPN3 is a nonsense variant predicted to introduce a stop codon at amino acid 343. This variant is expected to result in nonsense mediated decay, truncation, or a dysfunctional protein product. This variant is rare in the general population with a frequency below the threshold expected for the associated phenotype(s). Given the available evidence, this variant is classified as Likely Pathogenic.

Labcorp Genetics (formerly Invitae), Labcorp
Classification: Pathogenic for Autosomal recessive limb-girdle muscular dystrophy type 2A. Last evaluated: 2024-04-12. Review status: criteria provided, single submitter. Criteria: Invitae Variant Classification Sherloc (09022015). Collection method: clinical testing. Allele origin: germline. Not counted in ClinVar's aggregate classification.
Comment: This sequence change creates a premature translational stop signal (p.Glu343*) in the CAPN3 gene. It is expected to result in an absent or disrupted protein product. Loss-of-function variants in CAPN3 are known to be pathogenic (PMID: 10330340, 15689361). This variant is present in population databases (rs766334893, gnomAD 0.006%). This variant has not been reported in the literature in individuals affected with CAPN3-related conditions. ClinVar contains an entry for this variant (Variation ID: 497182). For these reasons, this variant has been classified as Pathogenic.

Baylor Genetics
Classification: Likely pathogenic for Muscular dystrophy, limb-girdle, autosomal dominant 4. Last evaluated: 2023-07-10. Review status: criteria provided, single submitter. Criteria: ACMG Guidelines, 2015. Collection method: clinical testing. Allele origin: unknown. Not counted in ClinVar's aggregate classification.

GeneDx
Classification: Pathogenic. Last evaluated: 2018-04-24. Review status: criteria provided, single submitter. Criteria: GeneDx Variant Classification (06012015). Collection method: clinical testing. Allele origin: germline. Affected: yes. Not counted in ClinVar's aggregate classification.
Comment: The E343X variant in the CAPN3 gene has not been reported previously as a pathogenic variant nor as a benign variant, to our knowledge. This variant is predicted to cause loss of normal protein function either through protein truncation or nonsense-mediated mRNA decay. The E343X variant is not observed at a significant frequency in large population cohorts (Lek et al., 2016). We interpret E343X as a pathogenic variant.

Eurofins Ntd Llc (ga)
Classification: Pathogenic. Last evaluated: 2018-04-12. Review status: criteria provided, single submitter. Criteria: EGL ClinVar v180209 classification definitions. Collection method: clinical testing. Allele origin: germline. Observed: 4 variant alleles, 4 heterozygotes. Not counted in ClinVar's aggregate classification.

Literature cited by the submitters: PubMed 10330340 (cited by Labcorp Genetics (formerly Invitae), Labcorp); PubMed 15689361 (cited by Labcorp Genetics (formerly Invitae), Labcorp).